The following is an entry in ClinVar:

ClinVar aggregate classification (germline): Uncertain significance. Review status: criteria provided, multiple submitters, no conflicts (2 of 4 stars). 2 submissions from 2 submitters: Uncertain significance (2). Last evaluated 2026-04-23.

Conditions:
Gastrointestinal stromal tumor. Also called: Gastrointestinal stromal tumor, somatic; Gastrointestinal stroma tumor. Identifiers: Orphanet 44890, MedGen C0238198, MeSH D046152, MONDO:0011719, OMIM 606764, HP:0100723.
Hereditary cancer-predisposing syndrome. Also called: Neoplastic Syndromes, Hereditary; Tumor predisposition; Hereditary Cancer Syndrome; Hereditary neoplastic syndrome. Identifiers: Orphanet 140162, MedGen C0027672, MeSH D009386, MONDO:0015356.

Allele frequency attached by ClinVar (database versions not stated): gnomAD exomes below 0.00001.
gnomAD v4.1: 4 of 1,614,122 alleles (0.00025%); highest among the groups gnomAD compares: Non-Finnish European, 0.00034%; no homozygotes.

Submissions (2):

Ambry Genetics
Classification: Uncertain significance for Hereditary cancer-predisposing syndrome. Last evaluated: 2026-04-23. Review status: criteria provided, single submitter. Criteria: Ambry Variant Classification Scheme 2023. Collection method: clinical testing. Allele origin: germline.
Comment: The p.N468D variant (also known as c.1402A>G), located in coding exon 9 of the PDGFRA gene, results from an A to G substitution at nucleotide position 1402. The asparagine at codon 468 is replaced by aspartic acid, an amino acid with highly similar properties. This amino acid position is conserved. In addition, this alteration is predicted to be tolerated by in silico analysis. Based on the available evidence, the clinical significance of this variant remains unclear.

Labcorp Genetics (formerly Invitae), Labcorp
Classification: Uncertain significance for Gastrointestinal stromal tumor. Last evaluated: 2020-06-29. Review status: criteria provided, single submitter. Criteria: Invitae Variant Classification Sherloc (09022015). Collection method: clinical testing. Allele origin: germline.
Comment: Algorithms developed to predict the effect of missense changes on protein structure and function are either unavailable or do not agree on the potential impact of this missense change (SIFT: "Tolerated"; PolyPhen-2: "Probably Damaging"; Align-GVGD: "Class C0"). In summary, the available evidence is currently insufficient to determine the role of this variant in disease. Therefore, it has been classified as a Variant of Uncertain Significance. This variant has not been reported in the literature in individuals with PDGFRA-related conditions. This sequence change replaces asparagine with aspartic acid at codon 468 of the PDGFRA protein (p.Asn468Asp). The asparagine residue is highly conserved and there is a small physicochemical difference between asparagine and aspartic acid. This variant is not present in population databases (ExAC no frequency).

NM_006206.6(PDGFRA):c.1402A>G (p.Asn468Asp)

Gene: PDGFRA (platelet derived growth factor receptor alpha; plus strand). Cytogenetic location: 4q12.
Variant type: single nucleotide variant.
Coding change: c.1402A>G on transcript NM_006206.6 (MANE Select); coding-DNA position 1402, A replaced by G.
Protein change: p.Asn468Asp; replaces asparagine 468 with aspartic acid.
Molecular consequence: missense variant.
Genome position (GRCh38, 1-based): chr4:54,273,574, A>G. VCF-style: chr4-54273574-A-G. GRCh37 (hg19) VCF-style: chr4-55139741-A-G.
Other names: c.1402A>G, p.Asn468Asp (NM_001347827.2, NM_001347829.2); c.1477A>G, p.Asn493Asp (NM_001347828.2); c.1441A>G, p.Asn481Asp (NM_001347830.2); short protein forms N468D, N481D, N493D.
Identifiers: ClinVar variation 840953 (VCV000840953.11), dbSNP rs1723525802, ClinGen allele CA356892495.
Genomic context (GRCh38, chr4:54,273,574, plus strand): 5'-ACTTAGGCCCTTTTTCTCTCTAGATGTAATAATGAAACTTCCTGGACTATTTTGGCCAAC[A>G]ATGTCTCAAACATCATCACGGAGATCCACTCCCGAGACAGGAGTACCGTGGAGGGCCGTG-3'
Protein context (NP_006197.1, residues 458-478): NETSWTILAN[Asn468Asp]VSNIITEIHS